The following is an entry in ClinVar:

NM_201384.3(PLEC):c.2852G>A (p.Arg951Gln)

Gene: PLEC (plectin; minus strand). Cytogenetic location: 8q24.3.
Variant type: single nucleotide variant.
Coding change: c.2852G>A on transcript NM_201384.3 (MANE Select); coding-DNA position 2852, G replaced by A.
Protein change: p.Arg951Gln; replaces arginine 951 with glutamine.
Molecular consequence: missense variant.
Genome position (GRCh38, 1-based): chr8:143,929,717, C>T on the plus strand (G>A on the coding strand, the complement: PLEC is on the minus strand). VCF-style: chr8-143929717-C-T. GRCh37 (hg19) VCF-style: chr8-145003885-C-T.
Other names: c.2933G>A, p.Arg978Gln (NM_000445.5); c.2810G>A, p.Arg937Gln (NM_201378.4); c.2786G>A, p.Arg929Gln (NM_201379.3); c.3263G>A, p.Arg1088Gln (NM_201380.4); c.2756G>A, p.Arg919Gln (NM_201381.3); c.2852G>A, p.Arg951Gln (NM_201382.4); c.2864G>A, p.Arg955Gln (NM_201383.3); c.2933G>A (NM_000445.3); short protein forms R929Q, R955Q, R951Q, R978Q, R1088Q, R937Q, R919Q.
Identifiers: ClinVar variation 1419611 (VCV001419611.9), dbSNP rs782775290, ClinGen allele CA372571031.
Genomic context (GRCh38, chr8:143,929,717, plus strand): 5'-CTCTGCAGCAGCTGCTGGTAGTGGTGGCTGCAGGAGCCGTACTCGCGCTCAGCCATCAGC[C>T]GGTCCTCGGGTCCGAAGCCGCCCGCGTCCTGGCTGTCCCGCAGGAAGGCCTGGTAGTGCA-3'
Protein context (NP_958786.1, residues 941-961): QDAGGFGPED[Arg951Gln]LMAEREYGSC

ClinVar aggregate classification (germline): Uncertain significance. Review status: criteria provided, multiple submitters, no conflicts (2 of 4 stars). 2 submissions from 2 submitters: Uncertain significance (2). Last evaluated 2025-10-21.

Conditions:
Epidermolysis bullosa simplex 5B, with muscular dystrophy (EBS5B). Also called: EPIDERMOLYSIS BULLOSA SIMPLEX AND LIMB-GIRDLE MUSCULAR DYSTROPHY; Epidermolysis bullosa simplex with muscular dystrophy. Identifiers: Orphanet 257, MedGen C2931072, MONDO:0009181, OMIM 226670.
Epidermolysis bullosa simplex, Ogna type (EBS5A). Also called: EPIDERMOLYSIS BULLOSA SIMPLEX 5A, OGNA TYPE; Pidermolysis bullosa simplex 5A, Ogna type. Identifiers: Orphanet 79401, MedGen C0432317, MONDO:0007555, OMIM 131950.
Epidermolysis bullosa simplex with nail dystrophy (EBS5D). Identifiers: MedGen C4225309, MONDO:0014661, OMIM 616487.
Autosomal recessive limb-girdle muscular dystrophy type 2Q (LGMDR17). Also called: MUSCULAR DYSTROPHY, LIMB-GIRDLE, AUTOSOMAL RECESSIVE 17. Identifiers: Orphanet 254361, MedGen C3150989, MONDO:0013390, OMIM 613723.
Epidermolysis bullosa simplex 5C, with pyloric atresia (EBS5C). Also called: Epidermolysis bullosa simplex with pyloric atresia; PLEC-Related Epidermolysis Bullosa with Pyloric Atresia; PLEC1-Related Epidermolysis Bullosa with Pyloric Atresia. Identifiers: Orphanet 158684, MedGen C2677349, MONDO:0012807, OMIM 612138.

Allele frequency attached by ClinVar (database versions not stated): gnomAD 0.00004 and 0.00005.
gnomAD v4.1: 41 of 1,599,758 alleles (0.0026%); highest among the groups gnomAD compares: African/African-American, 0.004%; no homozygotes.

Submissions (2):

Labcorp Genetics (formerly Invitae), Labcorp
Classification: Uncertain significance for Autosomal recessive limb-girdle muscular dystrophy type 2Q; Epidermolysis bullosa simplex, Ogna type; Epidermolysis bullosa simplex with nail dystrophy; Epidermolysis bullosa simplex 5C, with pyloric atresia; Epidermolysis bullosa simplex 5B, with muscular dystrophy. Last evaluated: 2025-10-21. Review status: criteria provided, single submitter. Criteria: Invitae Variant Classification Sherloc (09022015). Collection method: clinical testing. Allele origin: germline.
Comment: This sequence change replaces arginine, which is basic and polar, with glutamine, which is neutral and polar, at codon 978 of the PLEC protein (p.Arg978Gln). The frequency data for this variant in the population databases is considered unreliable, as metrics indicate poor data quality at this position in the gnomAD database. This variant has not been reported in the literature in individuals affected with PLEC-related conditions. ClinVar contains an entry for this variant (Variation ID: 1419611). Invitae Evidence Modeling of protein sequence and biophysical properties (such as structural, functional, and spatial information, amino acid conservation, physicochemical variation, residue mobility, and thermodynamic stability) indicates that this missense variant is not expected to disrupt PLEC protein function with a negative predictive value of 80%. In summary, the available evidence is currently insufficient to determine the role of this variant in disease. Therefore, it has been classified as a Variant of Uncertain Significance.

Athena Diagnostics
Classification: Uncertain significance. Last evaluated: 2025-02-28. Review status: criteria provided, single submitter. Criteria: Athena Diagnostics Criteria. Collection method: clinical testing. Allele origin: unknown.
Comment: Available data are insufficient to determine the clinical significance of the variant at this time. The frequency of this variant in the general population is uninformative in assessment of its pathogenicity. Polyphen and MutationTaster predict this amino acid change may be benign.

Literature cited by the submitters: PubMed 31851393 (cited by Athena Diagnostics).